The following is an entry in ClinVar:

NM_001377304.1(GFI1B):c.98C>T (p.Pro33Leu)

Gene: GFI1B (growth factor independent 1B transcriptional repressor; plus strand). Cytogenetic location: 9q34.13.
Variant type: single nucleotide variant.
Coding change: c.98C>T on transcript NM_001377304.1 (MANE Select); coding-DNA position 98, C replaced by T.
Protein change: p.Pro33Leu; replaces proline 33 with leucine.
Molecular consequence: missense variant.
Genome position (GRCh38, 1-based): chr9:132,986,776, C>T. VCF-style: chr9-132986776-C-T. GRCh37 (hg19) VCF-style: chr9-135862163-C-T.
Other names: p.Pro33Leu; c.98C>T (NM_004188.7); c.98C>T, p.Pro33Leu (NM_001135031.2, NM_001371908.1, NM_001377305.1 and 1 more transcripts); short protein forms P33L.
Identifiers: ClinVar variation 3051494 (VCV003051494.4), dbSNP rs568826386, ClinGen allele CA5301811.

ClinVar aggregate classification (germline): Likely benign. Review status: criteria provided, multiple submitters, no conflicts (2 of 4 stars). 3 submissions from 3 submitters: Likely benign (2). 1 of the submissions does not count toward it. Last evaluated 2025-08-28.

Conditions:
GFI1B-related disorder. Also called: GFI1B-related condition.

Allele frequency attached by ClinVar (database versions not stated): TOPMed 0.00006; 1000 Genomes Project 30x 0.00016; gnomAD 0.00022; 1000 Genomes Project 0.00020; ExAC 0.00129.
gnomAD v4.1: 537 of 1,604,342 alleles (0.033%); highest among the groups gnomAD compares: South Asian, 0.51%; 6 homozygotes.

Submissions (3):

Mayo Clinic Laboratories, Mayo Clinic
Classification: Likely benign. Last evaluated: 2025-08-28. Review status: criteria provided, single submitter. Criteria: ACMG Guidelines, 2015. Collection method: clinical testing. Allele origin: germline. Observed: 1 variant allele.
Comment: BS1_supporting, BS2, BP4_moderate

Women's Health and Genetics/Laboratory Corporation of America, LabCorp
Classification: Likely benign. Last evaluated: 2024-06-07. Review status: criteria provided, single submitter. Criteria: LabCorp Variant Classification Summary - May 2015. Collection method: clinical testing. Allele origin: germline.
Comment: Variant summary: GFI1B c.98C>T (p.Pro33Leu) results in a non-conservative amino acid change in the encoded protein sequence. Three of five in-silico tools predict a benign effect of the variant on protein function. Consensus agreement among computation tools predict no significant impact on normal splicing. However, these predictions have yet to be confirmed by functional studies. The variant allele was found at a frequency of 0.00033 in 1604342 control chromosomes, predominantly at a frequency of 0.0051 within the South Asian subpopulation in the gnomAD database, including 6 homozygotes. The observed variant frequency within South Asian control individuals in the gnomAD database exceeds the estimated maximal expected allele frequency for a pathogenic variant in GFI1B causing Platelet-Type Bleeding Disorder 17 phenotype. To our knowledge, no occurrence of c.98C>T in individuals affected with Platelet-Type Bleeding Disorder 17 and no experimental evidence demonstrating its impact on protein function have been reported. No submitters have cited clinical-significance assessments for this variant to ClinVar. Based on the evidence outlined above, the variant was classified as likely benign.

PreventionGenetics, part of Exact Sciences
Classification: Likely benign for GFI1B-related condition. Last evaluated: 2024-02-28. Review status: no assertion criteria provided. Collection method: clinical testing. Allele origin: germline. Not counted in ClinVar's aggregate classification.
Comment: This variant is classified as likely benign based on ACMG/AMP sequence variant interpretation guidelines (Richards et al. 2015 PMID: 25741868, with internal and published modifications).